The following is an entry in ClinVar:

ClinVar aggregate classification (germline): Uncertain significance. Review status: criteria provided, multiple submitters, no conflicts (2 of 4 stars). 2 submissions from 2 submitters: Uncertain significance (2). Last evaluated 2022-03-27.

Conditions:
Cone-rod dystrophy 15 (CORD15). Identifiers: MedGen C3150912, MONDO:0013348, OMIM 613660.

Allele frequency attached by ClinVar (database versions not stated): gnomAD 0.00001 and 0.00002; gnomAD exomes 0.00001; ExAC 0.00002; TOPMed 0.00003.
gnomAD v4.1: 17 of 1,614,004 alleles (0.0011%); highest among the groups gnomAD compares: African/African-American, 0.015%; no homozygotes.

Submissions (2):

Labcorp Genetics (formerly Invitae), Labcorp
Classification: Uncertain significance. Last evaluated: 2022-03-27. Review status: criteria provided, single submitter. Criteria: Invitae Variant Classification Sherloc (09022015). Collection method: clinical testing. Allele origin: germline.
Comment: ClinVar contains an entry for this variant (Variation ID: 301229). In summary, the available evidence is currently insufficient to determine the role of this variant in disease. Therefore, it has been classified as a Variant of Uncertain Significance. Advanced modeling of protein sequence and biophysical properties (such as structural, functional, and spatial information, amino acid conservation, physicochemical variation, residue mobility, and thermodynamic stability) performed at Invitae indicates that this missense variant is not expected to disrupt CDHR1 protein function. This variant has not been reported in the literature in individuals affected with CDHR1-related conditions. This variant is present in population databases (rs562607967, gnomAD 0.008%). This sequence change replaces asparagine, which is neutral and polar, with aspartic acid, which is acidic and polar, at codon 296 of the CDHR1 protein (p.Asn296Asp).

Illumina Laboratory Services, Illumina
Classification: Uncertain significance for Cone-rod dystrophy 15. Last evaluated: 2018-01-12. Review status: criteria provided, single submitter. Criteria: ICSL Variant Classification Criteria 13 December 2019. Collection method: clinical testing. Allele origin: germline.

NM_033100.4(CDHR1):c.886A>G (p.Asn296Asp)

Gene: CDHR1 (cadherin related family member 1; plus strand). Cytogenetic location: 10q23.1.
Variant type: single nucleotide variant.
Coding change: c.886A>G on transcript NM_033100.4 (MANE Select); coding-DNA position 886, A replaced by G.
Protein change: p.Asn296Asp; replaces asparagine 296 with aspartic acid.
Molecular consequence: missense variant.
Genome position (GRCh38, 1-based): chr10:84,205,850, A>G. VCF-style: chr10-84205850-A-G. GRCh37 (hg19) VCF-style: chr10-85965606-A-G.
Other names: c.886A>G, p.Asn296Asp (NM_001171971.3); short protein forms N296D.
Identifiers: ClinVar variation 301229 (VCV000301229.13), dbSNP rs562607967, ClinGen allele CA5579769.